The following is an entry in ClinVar:

ClinVar aggregate classification (germline): Uncertain significance (1 of 4 stars; one submission).

Submission:

Women's Health and Genetics/Laboratory Corporation of America, LabCorp
Classification: Uncertain significance. Last evaluated: 2024-07-24. Review status: criteria provided, single submitter. Criteria: LabCorp Variant Classification Summary - May 2015. Collection method: clinical testing. Allele origin: germline.
Comment: Variant summary: PPP3CA c.581A>G (p.Gln194Arg) results in a conservative amino acid change located in the Calcineurin-like phosphoesterase domain, ApaH type (IPR004843) of the encoded protein sequence. Four of five in-silico tools predict a benign effect of the variant on protein function. The variant was absent in 250416 control chromosomes. The available data on variant occurrences in the general population are insufficient to allow any conclusion about variant significance. To our knowledge, no occurrence of c.581A>G in individuals affected with Epileptic Encephalopathy, Infantile Or Early Childhood, 1 and no experimental evidence demonstrating its impact on protein function have been reported. No submitters have cited clinical-significance assessments for this variant to ClinVar. Based on the evidence outlined above, the variant was classified as uncertain significance.

NM_000944.5(PPP3CA):c.581A>G (p.Gln194Arg)

Gene: PPP3CA (protein phosphatase 3 catalytic subunit alpha; minus strand). Cytogenetic location: 4q24.
Variant type: single nucleotide variant.
Coding change: c.581A>G on transcript NM_000944.5 (MANE Select); coding-DNA position 581, A replaced by G.
Protein change: p.Gln194Arg; replaces glutamine 194 with arginine.
Molecular consequence: missense variant.
Genome position (GRCh38, 1-based): chr4:101,098,428, T>C on the plus strand (A>G on the coding strand, the complement: PPP3CA is on the minus strand). VCF-style: chr4-101098428-T-C. GRCh37 (hg19) VCF-style: chr4-102019585-T-C.
Other names: c.581A>G, p.Gln194Arg (NM_001130691.2, NM_001130692.2); short protein forms Q194R.
Identifiers: ClinVar variation 3339365 (VCV003339365.1).